The following is an entry in ClinVar:

NM_000213.5(ITGB4):c.3099G>A (p.Ala1033=)

Gene: ITGB4 (integrin subunit beta 4; plus strand). Cytogenetic location: 17q25.1.
Variant type: single nucleotide variant.
Coding change: c.3099G>A on transcript NM_000213.5 (MANE Select); coding-DNA position 3099, G replaced by A.
Protein change: p.Ala1033=; no amino-acid change (alanine 1033 retained).
Molecular consequence: synonymous variant.
Genome position (GRCh38, 1-based): chr17:75,743,849, G>A. VCF-style: chr17-75743849-G-A. GRCh37 (hg19) VCF-style: chr17-73739930-G-A.
Other names: c.3099G>A, p.Ala1033= (NM_001005619.2, NM_001005731.3, NM_001321123.2).
Identifiers: ClinVar variation 888917 (VCV000888917.9), dbSNP rs145314226, ClinGen allele CA8769691.

ClinVar aggregate classification (germline): Conflicting classifications of pathogenicity. Review status: criteria provided, conflicting classifications (1 of 4 stars). 3 submissions from 3 submitters: Uncertain significance (1); Likely benign (1). 1 of the submissions does not count toward it. Last evaluated 2024-10-05.

Conditions:
ITGB4-related disorder. Also called: ITGB4-related condition.
Junctional epidermolysis bullosa with pyloric atresia. Also called: APLASIA CUTIS CONGENITA WITH GASTROINTESTINAL ATRESIA; CARMI SYNDROME; EB-PA-ACC; EPIDERMOLYSIS BULLOSA, JUNCTIONAL 5B, WITH PYLORIC ATRESIA; ITGB4-Related Epidermolysis Bullosa with Pyloric Atresia; ITGA6-Related Epidermolysis Bullosa with Pyloric Atresia. Identifiers: Orphanet 79403, MedGen C5676875, MONDO:0009183, OMIM 226730.

Allele frequency attached by ClinVar (database versions not stated): gnomAD exomes 0.00009; ExAC 0.00012; TOPMed 0.00027; 1000 Genomes Project 0.00040; ESP Exome Variant Server 0.00046; 1000 Genomes Project 30x 0.00047.
gnomAD v4.1: 182 of 1,593,450 alleles (0.011%); highest among the groups gnomAD compares: Middle Eastern, 0.15%; 1 homozygote.

Submissions (3):

Labcorp Genetics (formerly Invitae), Labcorp
Classification: Likely benign. Last evaluated: 2024-10-05. Review status: criteria provided, single submitter. Criteria: Invitae Variant Classification Sherloc (09022015). Collection method: clinical testing. Allele origin: germline.

Illumina Laboratory Services, Illumina
Classification: Uncertain significance for Junctional epidermolysis bullosa with pyloric atresia. Last evaluated: 2018-01-12. Review status: criteria provided, single submitter. Criteria: ICSL Variant Classification Criteria 13 December 2019. Collection method: clinical testing. Allele origin: germline.

PreventionGenetics, part of Exact Sciences
Classification: Likely benign for ITGB4-related condition. Last evaluated: 2019-04-05. Review status: no assertion criteria provided. Collection method: clinical testing. Allele origin: germline. Not counted in ClinVar's aggregate classification.
Comment: This variant is classified as likely benign based on ACMG/AMP sequence variant interpretation guidelines (Richards et al. 2015 PMID: 25741868, with internal and published modifications).